The following is an entry in ClinVar:

ClinVar aggregate classification (germline): Uncertain significance (1 of 4 stars; one submission).

Conditions:
Inflammatory bowel disease 28. Also called: Inflammatory bowel disease 28, early onset, autosomal recessive. Identifiers: Orphanet 238569, MedGen C2751053, MONDO:0013153, OMIM 613148.

gnomAD v4.1: 5 of 1,613,804 alleles (0.00031%); highest among the groups gnomAD compares: Non-Finnish European, 0.00034%; no homozygotes.

Submission:

Labcorp Genetics (formerly Invitae), Labcorp
Classification: Uncertain significance for Inflammatory bowel disease 28. Last evaluated: 2022-07-09. Review status: criteria provided, single submitter. Criteria: Invitae Variant Classification Sherloc (09022015). Collection method: clinical testing. Allele origin: germline.
Comment: This sequence change replaces tyrosine, which is neutral and polar, with histidine, which is basic and polar, at codon 230 of the IL10RA protein (p.Tyr230His). This variant is not present in population databases (gnomAD no frequency). This variant has not been reported in the literature in individuals affected with IL10RA-related conditions. Algorithms developed to predict the effect of missense changes on protein structure and function are either unavailable or do not agree on the potential impact of this missense change (SIFT: "Tolerated"; PolyPhen-2: "Probably Damaging"; Align-GVGD: "Class C0"). In summary, the available evidence is currently insufficient to determine the role of this variant in disease. Therefore, it has been classified as a Variant of Uncertain Significance.

NM_001558.4(IL10RA):c.688T>C (p.Tyr230His)

Gene: IL10RA (interleukin 10 receptor subunit alpha; plus strand). Cytogenetic location: 11q23.3.
Variant type: single nucleotide variant.
Coding change: c.688T>C on transcript NM_001558.4 (MANE Select); coding-DNA position 688, T replaced by C.
Protein change: p.Tyr230His; replaces tyrosine 230 with histidine.
Molecular consequence: missense variant. On other transcripts: non-coding transcript variant (1).
Genome position (GRCh38, 1-based): chr11:117,994,149, T>C. VCF-style: chr11-117994149-T-C. GRCh37 (hg19) VCF-style: chr11-117864864-T-C.
Other names: short protein forms Y230H.
Identifiers: ClinVar variation 1956638 (VCV001956638.2), dbSNP rs2496782902, ClinGen allele CA382776096.